The following is an entry in ClinVar:

ClinVar aggregate classification (germline): Uncertain significance (1 of 4 stars; one submission).

Allele frequency attached by ClinVar (database versions not stated): gnomAD 0.00001; TOPMed 0.00003; ESP Exome Variant Server 0.00008.
gnomAD v4.1: 11 of 1,613,482 alleles (0.00068%); highest among the groups gnomAD compares: Admixed American, 0.005%; no homozygotes.

Submission:

Labcorp Genetics (formerly Invitae), Labcorp
Classification: Uncertain significance. Last evaluated: 2022-08-16. Review status: criteria provided, single submitter. Criteria: Invitae Variant Classification Sherloc (09022015). Collection method: clinical testing. Allele origin: germline.
Comment: This sequence change replaces threonine, which is neutral and polar, with methionine, which is neutral and non-polar, at codon 226 of the OCA2 protein (p.Thr226Met). This variant is present in population databases (rs377617821, gnomAD 0.009%). This variant has not been reported in the literature in individuals affected with OCA2-related conditions. Advanced modeling of protein sequence and biophysical properties (such as structural, functional, and spatial information, amino acid conservation, physicochemical variation, residue mobility, and thermodynamic stability) performed at Invitae indicates that this missense variant is not expected to disrupt OCA2 protein function. In summary, the available evidence is currently insufficient to determine the role of this variant in disease. Therefore, it has been classified as a Variant of Uncertain Significance.

NM_000275.3(OCA2):c.677C>T (p.Thr226Met)

Gene: OCA2 (OCA2 melanosomal transmembrane protein; minus strand). Cytogenetic location: 15q13.1.
Variant type: single nucleotide variant.
Coding change: c.677C>T on transcript NM_000275.3 (MANE Select); coding-DNA position 677, C replaced by T.
Protein change: p.Thr226Met; replaces threonine 226 with methionine.
Molecular consequence: missense variant.
Genome position (GRCh38, 1-based): chr15:28,018,527, G>A on the plus strand (C>T on the coding strand, the complement: OCA2 is on the minus strand). VCF-style: chr15-28018527-G-A. GRCh37 (hg19) VCF-style: chr15-28263673-G-A.
Other names: c.677C>T, p.Thr226Met (NM_001300984.2); short protein forms T226M.
Identifiers: ClinVar variation 2180467 (VCV002180467.1), dbSNP rs377617821, ClinGen allele CA7439385.
Genomic context (GRCh38, chr15:28,018,527, plus strand): 5'-CTCCCAGGACGACTCGGCCCACTGGCCACTAGGGCCCCTGCCAGGTCCACCTGCAGCAGC[G>A]TGGAGTCCACGTGGCTGCTAAGGTTCACGGCTCGGAGAGTGTCAAGGAGAACCACAAGGC-3'
Protein context (NP_000266.2, residues 216-236): SVNLSSHVDS[Thr226Met]LLQVDLAGAL